The following is an entry in ClinVar:

ClinVar aggregate classification (germline): Pathogenic (1 of 4 stars; one submission).

Conditions:
Congenital disorder of deglycosylation (CDDG). Identifiers: MedGen C3808991, MONDO:0031376.

Submission:

Labcorp Genetics (formerly Invitae), Labcorp
Classification: Pathogenic for Congenital disorder of deglycosylation. Last evaluated: 2019-12-15. Review status: criteria provided, single submitter. Criteria: Invitae Variant Classification Sherloc (09022015). Collection method: clinical testing. Allele origin: germline.
Comment: For these reasons, this variant has been classified as Pathogenic. Loss-of-function variants in NGLY1 are known to be pathogenic (PMID: 24651605). This variant has not been reported in the literature in individuals with NGLY1-related conditions. This variant is not present in population databases (ExAC no frequency). This sequence change creates a premature translational stop signal (p.His243Serfs*5) in the NGLY1 gene. It is expected to result in an absent or disrupted protein product.

Literature cited by the submitters: PubMed 24651605.

NM_018297.4(NGLY1):c.726dup (p.His243fs)

Gene: NGLY1 (N-glycanase 1; minus strand). Cytogenetic location: 3p24.2.
Variant type: Duplication.
Coding change: c.726dup on transcript NM_018297.4 (MANE Select); coding-DNA position 726, one base duplicated (T; older notation c.726dupT).
Protein change: p.His243fs; shifts the reading frame from histidine 243.
Molecular consequence: frameshift variant.
Genome position (GRCh38, 1-based): chr3:25,739,732, A duplicated on the plus strand (T on the coding strand, the reverse complement: NGLY1 is on the minus strand); the first of 6 consecutive A bases (chr3:25,739,732-25,739,737); duplicating any one gives the same sequence. VCF-style (leftmost placement, unchanged base first): chr3-25739731-G-GA. GRCh37 (hg19) VCF-style: chr3-25781222-G-GA.
Other names: c.726dup, p.His243fs (NM_001145293.2, NM_001145295.2); c.600dup, p.His201fs (NM_001145294.2); short protein forms H243fs, H201fs.
Identifiers: ClinVar variation 843508 (VCV000843508.8), dbSNP rs1706033199, ClinGen allele CA916082563.